The following is an entry in ClinVar:

NM_000284.4(PDHA1):c.918_927dup (p.Val310fs)

Gene: PDHA1 (pyruvate dehydrogenase E1 subunit alpha 1; plus strand). Cytogenetic location: Xp22.12.
Variant type: Duplication.
Coding change: c.918_927dup on transcript NM_000284.4 (MANE Select); coding-DNA positions 918 to 927, 10 bases duplicated (AATTCAGGAA; older notation c.918_927dupAATTCAGGAA).
Protein change: p.Val310fs; shifts the reading frame from valine 310.
Molecular consequence: frameshift variant.
Genome position (GRCh38, 1-based): chrX:19,358,934-19,358,943, AATTCAGGAA duplicated; duplicating any 10 consecutive bases within chrX:19,358,933-19,358,943 gives the same sequence; the c. name uses the placement nearest the transcript's 3' end. VCF-style (leftmost placement, unchanged base first): chrX-19358932-G-GAAATTCAGGA. GRCh37 (hg19) VCF-style: chrX-19377050-G-GAAATTCAGGA.
Other names: c.1032_1041dup, p.Val348fs (NM_001173454.2); c.939_948dup, p.Val317fs (NM_001173455.2); c.825_834dup, p.Val279fs (NM_001173456.2); short protein forms V279fs, V310fs, V317fs, V348fs.
Identifiers: ClinVar variation 984935 (VCV000984935.1), dbSNP rs2063232292, ClinGen allele CA1139667326.
Genomic context (GRCh38, chrX:19,358,932, plus strand): 5'-GGAACTGCTCTTACTGATCGATTACTACTTTTCCCTCCCCATAGTTACCGTACACGAGAA[G>GAAATTCAGGA]AAATTCAGGAAGTAAGAAGTAAGAGTGACCCTATTATGCTTCTCAAGGACAGGATGGTGA-3'

ClinVar aggregate classification (germline): Pathogenic (1 of 4 stars; one submission).

Conditions:
Pyruvate dehydrogenase E1-alpha deficiency (PDHAD). Also called: ATAXIA, INTERMITTENT, WITH PYRUVATE DEHYDROGENASE DEFICIENCY; ATAXIA WITH LACTIC ACIDOSIS I; ATAXIA, INTERMITTENT, WITH ABNORMAL PYRUVATE METABOLISM; Ataxia, intermittent, with pyruvate dehydrogenase, or decarboxylase, deficiency. Identifiers: Orphanet 79243, MedGen C1839413, MONDO:0010717, OMIM 312170.

Submission:

Rady Children's Institute for Genomic Medicine, Rady Children's Hospital San Diego
Classification: Pathogenic for PYRUVATE DEHYDROGENASE E1-ALPHA DEFICIENCY. Last evaluated: 2020-02-04. Review status: criteria provided, single submitter. Criteria: ACMG Guidelines, 2015. Collection method: clinical testing. Allele origin: germline. Affected: yes.
Comment: This frameshifting variant in exon 11 of 12 introduces a premature stop codon and is therefore predicted to result in loss of normal protein function. This variant has not been previously reported or functionally characterized in the literature to our knowledge. It is absent from the ExAC and gnomAD population databases and thus is presumed to be rare. Based on the available evidence, the c.1032_1041dup (p.Val348AsnfsTer7) variant is classified as Likely Pathogenic.